The following is an entry in ClinVar:

ClinVar aggregate classification (germline): Pathogenic (1 of 4 stars; one submission).

gnomAD v4.1: 1 of 1,614,114 alleles (0.000062%); highest among the groups gnomAD compares: Non-Finnish European, 0.000085%; no homozygotes.

Submission:

Labcorp Genetics (formerly Invitae), Labcorp
Classification: Pathogenic. Last evaluated: 2021-11-02. Review status: criteria provided, single submitter. Criteria: Invitae Variant Classification Sherloc (09022015). Collection method: clinical testing. Allele origin: germline.
Comment: For these reasons, this variant has been classified as Pathogenic. This variant has not been reported in the literature in individuals affected with LAMB3-related conditions. This variant is not present in population databases (gnomAD no frequency). This sequence change creates a premature translational stop signal (p.Trp168*) in the LAMB3 gene. It is expected to result in an absent or disrupted protein product. Loss-of-function variants in LAMB3 are known to be pathogenic (PMID: 11023379, 16473856).

Literature cited by the submitters: PubMed 11023379; PubMed 16473856.

NM_000228.3(LAMB3):c.504G>A (p.Trp168Ter)

Gene: LAMB3 (laminin subunit beta 3; minus strand). Cytogenetic location: 1q32.2.
Variant type: single nucleotide variant.
Coding change: c.504G>A on transcript NM_000228.3 (MANE Select); coding-DNA position 504, G replaced by A.
Protein change: p.Trp168Ter; replaces tryptophan 168 with a stop codon.
Molecular consequence: nonsense.
Genome position (GRCh38, 1-based): chr1:209,634,507, C>T on the plus strand (G>A on the coding strand, the complement: LAMB3 is on the minus strand). VCF-style: chr1-209634507-C-T. GRCh37 (hg19) VCF-style: chr1-209807852-C-T.
Other names: c.504G>A, p.Trp168Ter (NM_001017402.2, NM_001127641.1); short protein forms W168*.
Identifiers: ClinVar variation 1458209 (VCV001458209.6), dbSNP rs1163346468, ClinGen allele CA344595819.